The following is an entry in ClinVar:

ClinVar aggregate classification (germline): Uncertain significance (1 of 4 stars; one submission).

Allele frequency attached by ClinVar (database versions not stated): gnomAD exomes below 0.00001; gnomAD 0.00001; TOPMed 0.00001.
gnomAD v4.1: 3 of 1,606,344 alleles (0.00019%); highest among the groups gnomAD compares: Non-Finnish European, 0.00026%; no homozygotes.

Submission:

GeneDx
Classification: Uncertain significance. Last evaluated: 2019-08-21. Review status: criteria provided, single submitter. Criteria: GeneDx Variant Classification Process June 2021. Collection method: clinical testing. Allele origin: germline. Affected: yes.
Comment: Has not been previously published as pathogenic or benign to our knowledge; Not observed in large population cohorts (Lek et al., 2016); In silico analysis, which includes protein predictors and evolutionary conservation, supports a deleterious effect

NM_001366145.2(TRPM3):c.2111A>G (p.Glu704Gly)

Gene: TRPM3 (transient receptor potential cation channel subfamily M member 3; minus strand). Cytogenetic location: 9q21.12.
Variant type: single nucleotide variant.
Coding change: c.2111A>G on transcript NM_001366145.2 (MANE Select); coding-DNA position 2111, A replaced by G.
Protein change: p.Glu704Gly; replaces glutamic acid 704 with glycine.
Molecular consequence: missense variant.
Genome position (GRCh38, 1-based): chr9:70,620,094, T>C on the plus strand (A>G on the coding strand, the complement: TRPM3 is on the minus strand). VCF-style: chr9-70620094-T-C. GRCh37 (hg19) VCF-style: chr9-73235010-T-C.
Other names: c.2075A>G, p.Glu692Gly (NM_001007471.4, NM_001366151.2); c.2081A>G, p.Glu694Gly (NM_001366141.2, NM_001366143.2, NM_001366149.2); c.2117A>G, p.Glu706Gly (NM_001366142.2); c.2111A>G, p.Glu704Gly (NM_001366146.2); c.2186A>G, p.Glu729Gly (NM_001366147.2, NM_001366152.2); c.2156A>G, p.Glu719Gly (NM_001366148.2); c.2045A>G, p.Glu682Gly (NM_001366150.2); c.1652A>G, p.Glu551Gly (NM_001366154.2, NM_024971.7); and 5 more; short protein forms E529G, E539G, E541G, E551G, E554G, E564G, E682G, E692G.
Identifiers: ClinVar variation 1308097 (VCV001308097.2), dbSNP rs1452664181, ClinGen allele CA373558603.